The following is an entry in ClinVar:

ClinVar aggregate classification (germline): Uncertain significance (1 of 4 stars; one submission).

Allele frequency attached by ClinVar (database versions not stated): gnomAD exomes below 0.00001; ExAC 0.00001.
gnomAD v4.1: 6 of 1,553,870 alleles (0.00039%); highest among the groups gnomAD compares: Middle Eastern, 0.017%; no homozygotes.

Submission:

Labcorp Genetics (formerly Invitae), Labcorp
Classification: Uncertain significance. Last evaluated: 2023-05-16. Review status: criteria provided, single submitter. Criteria: Invitae Variant Classification Sherloc (09022015). Collection method: clinical testing. Allele origin: germline.
Comment: In summary, the available evidence is currently insufficient to determine the role of this variant in disease. Therefore, it has been classified as a Variant of Uncertain Significance. Advanced modeling of protein sequence and biophysical properties (such as structural, functional, and spatial information, amino acid conservation, physicochemical variation, residue mobility, and thermodynamic stability) has been performed at Invitae for this missense variant, however the output from this modeling did not meet the statistical confidence thresholds required to predict the impact of this variant on ZCCHC8 protein function. This variant has not been reported in the literature in individuals affected with ZCCHC8-related conditions. This variant is present in population databases (rs753378950, gnomAD 0.005%). This sequence change replaces glutamic acid, which is acidic and polar, with lysine, which is basic and polar, at codon 535 of the ZCCHC8 protein (p.Glu535Lys).

NM_017612.5(ZCCHC8):c.1603G>A (p.Glu535Lys)

Gene: ZCCHC8 (zinc finger CCHC-type containing 8; minus strand). Cytogenetic location: 12q24.31.
Variant type: single nucleotide variant.
Coding change: c.1603G>A on transcript NM_017612.5 (MANE Select); coding-DNA position 1603, G replaced by A.
Protein change: p.Glu535Lys; replaces glutamic acid 535 with lysine.
Molecular consequence: missense variant.
Genome position (GRCh38, 1-based): chr12:122,474,018, C>T on the plus strand (G>A on the coding strand, the complement: ZCCHC8 is on the minus strand). VCF-style: chr12-122474018-C-T. GRCh37 (hg19) VCF-style: chr12-122958565-C-T.
Other names: c.1372G>A, p.Glu458Lys (NM_001350935.2); c.1306G>A, p.Glu436Lys (NM_001350936.2); c.889G>A, p.Glu297Lys (NM_001350937.2, NM_001350938.2); short protein forms E297K, E535K, E436K, E458K.
Identifiers: ClinVar variation 2986662 (VCV002986662.3), dbSNP rs753378950, ClinGen allele CA6846132.
Genomic context (GRCh38, chr12:122,474,018, plus strand): 5'-CAACGGAATTGCCAGTTAAAGGTGTGTCCACAGGAACGTCGGAGTCGCTGTTTACGCTCT[C>T]GGCCTGCTCAAGAGCTGCCCAGATCCGCCTCTGCTGTTCTTCAAGTTCTTCTAGAGTCAG-3'
Protein context (NP_060082.2, residues 525-545): RRIWAALEQA[Glu535Lys]SVNSDSDVPV